The following is an entry in ClinVar:

ClinVar aggregate classification (germline): Uncertain significance. Review status: criteria provided, multiple submitters, no conflicts (2 of 4 stars). 2 submissions from 2 submitters: Uncertain significance (2). Last evaluated 2023-07-29.

Conditions:
Inborn genetic diseases. Identifiers: MedGen C0950123, MeSH D030342.

Submissions (2):

Ambry Genetics
Classification: Uncertain significance for Inborn genetic diseases. Last evaluated: 2023-07-29. Review status: criteria provided, single submitter. Criteria: Ambry Variant Classification Scheme 2023. Collection method: clinical testing. Allele origin: germline.

GeneDx
Classification: Uncertain significance. Last evaluated: 2023-04-10. Review status: criteria provided, single submitter. Criteria: GeneDx Variant Classification Process June 2021. Collection method: clinical testing. Allele origin: germline. Affected: yes.
Comment: Not observed at significant frequency in large population cohorts (gnomAD); In silico analysis supports that this missense variant does not alter protein structure/function; Has not been previously published as pathogenic or benign to our knowledge

NM_003718.5(CDK13):c.4437G>C (p.Gln1479His)

Gene: CDK13 (cyclin dependent kinase 13; plus strand). Cytogenetic location: 7p14.1.
Variant type: single nucleotide variant.
Coding change: c.4437G>C on transcript NM_003718.5 (MANE Select); coding-DNA position 4437, G replaced by C.
Protein change: p.Gln1479His; replaces glutamine 1479 with histidine.
Molecular consequence: missense variant.
Genome position (GRCh38, 1-based): chr7:40,094,878, G>C. VCF-style: chr7-40094878-G-C. GRCh37 (hg19) VCF-style: chr7-40134477-G-C.
Other names: c.4257G>C, p.Gln1419His (NM_031267.4); short protein forms Q1419H, Q1479H.
Identifiers: ClinVar variation 2610468 (VCV002610468.3), dbSNP rs1787011758, ClinGen allele CA367297187.